The following is an entry in ClinVar:

ClinVar aggregate classification (germline): Uncertain significance (1 of 4 stars; one submission).

Submission:

Labcorp Genetics (formerly Invitae), Labcorp
Classification: Uncertain significance. Last evaluated: 2021-12-14. Review status: criteria provided, single submitter. Criteria: Invitae Variant Classification Sherloc (09022015). Collection method: clinical testing. Allele origin: germline.
Comment: In summary, the available evidence is currently insufficient to determine the role of this variant in disease. Therefore, it has been classified as a Variant of Uncertain Significance. Algorithms developed to predict the effect of missense changes on protein structure and function (SIFT, PolyPhen-2, Align-GVGD) all suggest that this variant is likely to be tolerated. This missense change has been observed in individual(s) with retinal dystrophy (Invitae). This variant is not present in population databases (gnomAD no frequency). This sequence change replaces aspartic acid, which is acidic and polar, with asparagine, which is neutral and polar, at codon 213 of the SNRNP200 protein (p.Asp213Asn).

NM_014014.5(SNRNP200):c.637G>A (p.Asp213Asn)

Gene: SNRNP200 (small nuclear ribonucleoprotein U5 subunit 200; minus strand). Cytogenetic location: 2q11.2.
Variant type: single nucleotide variant.
Coding change: c.637G>A on transcript NM_014014.5 (MANE Select); coding-DNA position 637, G replaced by A.
Protein change: p.Asp213Asn; replaces aspartic acid 213 with asparagine.
Molecular consequence: missense variant.
Genome position (GRCh38, 1-based): chr2:96,299,421, C>T on the plus strand (G>A on the coding strand, the complement: SNRNP200 is on the minus strand). VCF-style: chr2-96299421-C-T. GRCh37 (hg19) VCF-style: chr2-96965159-C-T.
Other names: short protein forms D213N.
Identifiers: ClinVar variation 1348833 (VCV001348833.6), dbSNP rs1236495213, ClinGen allele CA347686279.